The following is an entry in ClinVar:

NM_005357.4(LIPE):c.2366-10T>C

Genes: LIPE (lipase E, hormone sensitive type; minus strand), LIPE-AS1 (LIPE antisense RNA 1; plus strand), LOC101930071 (uncharacterized LOC101930071; plus strand). Cytogenetic location: 19q13.2.
Variant type: single nucleotide variant.
Coding change: c.2366-10T>C on transcript NM_005357.4 (MANE Select); 10 bases into the intron before coding-DNA position 2366, T replaced by C.
Molecular consequence: intron variant.
Genome position (GRCh38, 1-based): chr19:42,405,571, A>G on the plus strand (T>C on the coding strand, the complement: LIPE is on the minus strand). VCF-style: chr19-42405571-A-G. GRCh37 (hg19) VCF-style: chr19-42909723-A-G.
Other names: c.779-10T>C (NM_001416107.1); c.1373-10T>C (NM_001416105.1); c.1601-10T>C (NM_001416101.1); c.1616-10T>C (NM_001416100.1); c.725-10T>C (NM_001416108.1); c.1268-10T>C (NM_001416106.1); c.1496-10T>C (NM_001416102.1); c.1463-10T>C (NM_001416103.1, NM_001416104.1).
Identifiers: ClinVar variation 3352407 (VCV003352407.2).

ClinVar aggregate classification (germline): Likely benign. Review status: criteria provided, single submitter (1 of 4 stars). 2 submissions from 2 submitters: Likely benign (1). 1 of the submissions does not count toward it. Last evaluated 2024-11-07.

Conditions:
LIPE-related disorder. Also called: LIPE-related condition.

gnomAD v4.1: 89 of 1,605,878 alleles (0.0055%); highest among the groups gnomAD compares: Non-Finnish European, 0.0069%; no homozygotes.

Submissions (2):

Blueprint Genetics
Classification: Likely benign. Last evaluated: 2024-11-07. Review status: criteria provided, single submitter. Criteria: ACMG Guidelines, 2015. Collection method: clinical testing. Allele origin: germline.

PreventionGenetics, part of Exact Sciences
Classification: Likely benign for LIPE-related condition. Last evaluated: 2024-07-28. Review status: no assertion criteria provided. Collection method: clinical testing. Allele origin: germline. Not counted in ClinVar's aggregate classification.
Comment: This variant is classified as likely benign based on ACMG/AMP sequence variant interpretation guidelines (Richards et al. 2015 PMID: 25741868, with internal and published modifications).